The following is an entry in ClinVar:

ClinVar aggregate classification (germline): Uncertain significance. Review status: criteria provided, multiple submitters, no conflicts (2 of 4 stars). 7 submissions from 7 submitters: Uncertain significance (5). 2 of the submissions do not count toward it. Last evaluated 2026-01-25.

Conditions:
ALK-related disorder. Also called: ALK-related condition.
Hereditary cancer-predisposing syndrome. Also called: Tumor predisposition; Neoplastic Syndromes, Hereditary; Hereditary Cancer Syndrome; Hereditary neoplastic syndrome. Identifiers: Orphanet 140162, MedGen C0027672, MeSH D009386, MONDO:0015356.
Neuroblastoma, susceptibility to, 3. Also called: ALK-Related Neuroblastic Tumor Susceptibility. Identifiers: Orphanet 635, MedGen C2751681, MONDO:0013083, OMIM 613014.

Allele frequency attached by ClinVar (database versions not stated): gnomAD 0.00002 and 0.00003; ExAC 0.00003; gnomAD exomes 0.00003 and 0.00007; TOPMed 0.00004; ESP Exome Variant Server 0.00008.

Submissions (7):

Labcorp Genetics (formerly Invitae), Labcorp
Classification: Uncertain significance for Neuroblastoma, susceptibility to, 3. Last evaluated: 2026-01-25. Review status: criteria provided, single submitter. Criteria: Invitae Variant Classification Sherloc (09022015). Collection method: clinical testing. Allele origin: germline.
Comment: This variant, c.920_922dup, results in the insertion of 1 amino acid(s) of the ALK protein (p.Pro307_Gly308insAla), but otherwise preserves the integrity of the reading frame. This variant is present in population databases (rs746818719, gnomAD 0.008%). This variant has not been reported in the literature in individuals affected with ALK-related conditions. ClinVar contains an entry for this variant (Variation ID: 404375). Experimental studies and prediction algorithms are not available or were not evaluated, and the functional significance of this variant is currently unknown. In summary, the available evidence is currently insufficient to determine the role of this variant in disease. Therefore, it has been classified as a Variant of Uncertain Significance.

Institute for Genomic Medicine (IGM) Clinical Laboratory, Nationwide Children's Hospital
Classification: Uncertain significance for Neuroblastoma, susceptibility to, 3. Last evaluated: 2025-07-22. Review status: criteria provided, single submitter. Criteria: ACMG Guidelines, 2015. Collection method: clinical testing. Allele origin: germline.
Comment: This variant is predicted to result in an in-frame insertion or deletion in a non-repetitive region (ACMG/AMP: PM4).

Ambry Genetics
Classification: Uncertain significance for Hereditary cancer-predisposing syndrome. Last evaluated: 2024-12-16. Review status: criteria provided, single submitter. Criteria: Ambry Variant Classification Scheme 2023. Collection method: clinical testing. Allele origin: germline.
Comment: The c.920_922dupCTG variant (also known as p.P307_G308insA), located in coding exon 3 of the ALK gene, results from an in-frame duplication of CTG at nucleotide positions 920 to 922. This results in the insertion of an alanine residue between codons 307 and 308. This amino acid region is well conserved in available vertebrate species. In addition, this alteration is predicted to be neutral by in silico analysis (Choi Y et al. PLoS ONE. 2012; 7(10):e46688). Based on the available evidence, the clinical significance of this variant remains unclear.

GeneDx
Classification: Uncertain significance. Last evaluated: 2024-03-14. Review status: criteria provided, single submitter. Criteria: GeneDx Variant Classification Process June 2021. Collection method: clinical testing. Allele origin: germline. Affected: yes.
Comment: In-frame insertion of 1 amino acid in a non-repeat region; In silico analysis supports that this variant does not alter protein structure/function; Has not been previously published as pathogenic or benign to our knowledge

Baylor Genetics
Classification: Uncertain significance for Neuroblastoma, susceptibility to, 3. Last evaluated: 2024-02-26. Review status: criteria provided, single submitter. Criteria: ACMG Guidelines, 2015. Collection method: clinical testing. Allele origin: unknown.

PreventionGenetics, part of Exact Sciences
Classification: Uncertain significance for ALK-related condition. Last evaluated: 2024-03-19. Review status: no assertion criteria provided. Collection method: clinical testing. Allele origin: germline. Not counted in ClinVar's aggregate classification.
Comment: The ALK c.920_922dupCTG variant is predicted to result in an in-frame duplication (p.Pro307_Gly308insAla). To our knowledge, this variant has not been reported in the literature. This variant is reported in 0.0071% of alleles in individuals of European (Non-Finnish) descent in gnomAD. In ClinVar, this variant is interpreted as uncertain. At this time, the clinical significance of this variant is uncertain due to the absence of conclusive functional and genetic evidence. At this time, the clinical significance of this variant is uncertain due to the absence of conclusive functional and genetic evidence.

Genetic Services Laboratory, University of Chicago
Classification: Uncertain significance. Last evaluated: 2022-11-07. Review status: no assertion criteria provided. Collection method: clinical testing. Allele origin: germline. Affected: no. Not counted in ClinVar's aggregate classification.
Comment: DNA sequence analysis of the ALK gene demonstrated a three base pair duplication in exon 3, c.920_922dup. This in-frame duplication is predicted to result in the insertion of one amino acid residue, p.Pro307_Gly308insAla. This duplication does not appear to have been previously described in individuals with ALK -related disorders. This sequence change has been described in the gnomAD database with a frequency of 0.0032% in the overall population (dbSNP rs746818719). The functional significance of this sequence change is not known at present and its contribution to this individual's disease phenotype cannot definitively be determined.

NM_004304.5(ALK):c.920_922dup (p.Pro307_Gly308insAla)

Gene: ALK (ALK receptor tyrosine kinase; minus strand). Cytogenetic location: 2p23.2.
Variant type: Duplication.
Coding change: c.920_922dup on transcript NM_004304.5 (MANE Select); coding-DNA positions 920 to 922, 3 bases duplicated (CTG; older notation c.920_922dupCTG).
Protein change: p.Pro307_Gly308insAla.
Molecular consequence: inframe insertion.
Genome position (GRCh38, 1-based): chr2:29,694,880-29,694,882, CAG duplicated on the plus strand (CTG on the coding strand, the reverse complement: ALK is on the minus strand). VCF-style (leftmost placement, unchanged base first): chr2-29694879-C-CCAG. GRCh37 (hg19) VCF-style: chr2-29917745-C-CCAG.
Other names: c.920_922dup (NM_004304.4, NM_004304.3).
Identifiers: ClinVar variation 404375 (VCV000404375.15), dbSNP rs746818719, ClinGen allele CA1594815.
Genomic context (GRCh38, chr2:29,694,879, plus strand): 5'-CCCAGGACATCACCAGCAGCCTCTCCCTTACCTCTGGGCATCTCCTTAGAACGCTCTGCC[C>CCAG]CAGGCCCATCCAGCAAGTCCATCTGGGAGGCCTCCTCGGAGGGGATGCGGCGCCAGGACC-3'